The following is an entry in ClinVar:

ClinVar aggregate classification (germline): Uncertain significance. Review status: criteria provided, multiple submitters, no conflicts (2 of 4 stars). 3 submissions from 3 submitters: Uncertain significance (3). Last evaluated 2024-07-09.

Conditions:
Inborn genetic diseases. Identifiers: MedGen C0950123, MeSH D030342.

Allele frequency attached by ClinVar (database versions not stated): ExAC 0.00002; gnomAD 0.00006; TOPMed 0.00006; gnomAD exomes 0.00007 and 0.00009; ESP Exome Variant Server 0.00008.
gnomAD v4.1: 146 of 1,602,048 alleles (0.0091%); highest among the groups gnomAD compares: Admixed American, 0.017%; no homozygotes.

Submissions (3):

Ambry Genetics
Classification: Uncertain significance for Inborn genetic diseases. Last evaluated: 2024-07-09. Review status: criteria provided, single submitter. Criteria: Ambry Variant Classification Scheme 2023. Collection method: clinical testing. Allele origin: germline.

Labcorp Genetics (formerly Invitae), Labcorp
Classification: Uncertain significance. Last evaluated: 2022-10-13. Review status: criteria provided, single submitter. Criteria: Invitae Variant Classification Sherloc (09022015). Collection method: clinical testing. Allele origin: germline.
Comment: This sequence change replaces arginine, which is basic and polar, with glutamine, which is neutral and polar, at codon 208 of the PDHX protein (p.Arg208Gln). This variant is present in population databases (rs367620723, gnomAD 0.02%). This variant has not been reported in the literature in individuals affected with PDHX-related conditions. ClinVar contains an entry for this variant (Variation ID: 214961). Advanced modeling of protein sequence and biophysical properties (such as structural, functional, and spatial information, amino acid conservation, physicochemical variation, residue mobility, and thermodynamic stability) performed at Invitae indicates that this missense variant is not expected to disrupt PDHX protein function. In summary, the available evidence is currently insufficient to determine the role of this variant in disease. Therefore, it has been classified as a Variant of Uncertain Significance.

GeneDx
Classification: Uncertain significance. Last evaluated: 2018-02-06. Review status: criteria provided, single submitter. Criteria: GeneDx Variant Classification (06012015). Collection method: clinical testing. Allele origin: germline. Affected: yes.
Comment: p.Arg208Gln (CGG>CAG): c.623 G>A in exon 5 of the PDHX gene (NM_003477.2) A variant of unknown significance has been identified in the PDHX gene. The R208Q missense substitution has not been published as a mutation, nor has it been reported as a benign polymorphism to our knowledge. The amino acid change is non-conservative in that a positively charged Arginine residue is replaced by an uncharged Glutamine residue. This variant is located in the E3-binding domain of the PDHX protein at a position that is not highly conserved. In silico analyses are not consistent in their predictions of whether R208Q is damaging to the PDHX protein. Therefore, based on the currently available information, it is unclear whether R208Q is a disease-causing mutation or a rare benign variant.The variant is found in LSME-MITOP panel(s).

NM_003477.3(PDHX):c.623G>A (p.Arg208Gln)

Gene: PDHX (pyruvate dehydrogenase complex component X; plus strand). Cytogenetic location: 11p13.
Variant type: single nucleotide variant.
Coding change: c.623G>A on transcript NM_003477.3 (MANE Select); coding-DNA position 623, G replaced by A.
Protein change: p.Arg208Gln; replaces arginine 208 with glutamine.
Molecular consequence: missense variant. On other transcripts: intron variant (1).
Genome position (GRCh38, 1-based): chr11:34,960,500, G>A. VCF-style: chr11-34960500-G-A. GRCh37 (hg19) VCF-style: chr11-34982047-G-A.
Other names: p.R208Q:CGG>CAG; c.443G>A, p.Arg148Gln (NM_001135024.2); c.342+12894G>A (NM_001166158.2); short protein forms R208Q, R148Q.
Identifiers: ClinVar variation 214961 (VCV000214961.6), dbSNP rs367620723, ClinGen allele CA321283.